The following is an entry in ClinVar:

NM_006361.6(HOXB13):c.272G>C (p.Arg91Pro)

Gene: HOXB13 (homeobox B13; minus strand). Cytogenetic location: 17q21.32.
Variant type: single nucleotide variant.
Coding change: c.272G>C on transcript NM_006361.6 (MANE Select); coding-DNA position 272, G replaced by C.
Protein change: p.Arg91Pro; replaces arginine 91 with proline.
Molecular consequence: missense variant.
Genome position (GRCh38, 1-based): chr17:48,728,322, C>G on the plus strand (G>C on the coding strand, the complement: HOXB13 is on the minus strand). VCF-style: chr17-48728322-C-G. GRCh37 (hg19) VCF-style: chr17-46805684-C-G.
Other names: short protein forms R91P.
Identifiers: ClinVar variation 3858426 (VCV003858426.1).

ClinVar aggregate classification (germline): Uncertain significance (1 of 4 stars; one submission).

Conditions:
Hereditary cancer-predisposing syndrome. Also called: Hereditary neoplastic syndrome; Neoplastic Syndromes, Hereditary; Tumor predisposition; Hereditary Cancer Syndrome. Identifiers: Orphanet 140162, MedGen C0027672, MeSH D009386, MONDO:0015356.

Submission:

Ambry Genetics
Classification: Uncertain significance for Hereditary cancer-predisposing syndrome. Last evaluated: 2025-01-17. Review status: criteria provided, single submitter. Criteria: Ambry Variant Classification Scheme 2023. Collection method: clinical testing. Allele origin: germline.
Comment: The p.R91P variant (also known as c.272G>C), located in coding exon 1 of the HOXB13 gene, results from a G to C substitution at nucleotide position 272. The arginine at codon 91 is replaced by proline, an amino acid with dissimilar properties. This amino acid position is highly conserved in available vertebrate species. In addition, this alteration is predicted to be deleterious by in silico analysis. Based on the available evidence, the clinical significance of this variant remains unclear.